The following is an entry in ClinVar:

ClinVar aggregate classification (germline): Pathogenic (1 of 4 stars; one submission).

gnomAD v4.1: 3 of 1,613,578 alleles (0.00019%); highest among the groups gnomAD compares: Non-Finnish European, 0.00025%; no homozygotes.

Submission:

Labcorp Genetics (formerly Invitae), Labcorp
Classification: Pathogenic. Last evaluated: 2024-08-12. Review status: criteria provided, single submitter. Criteria: Invitae Variant Classification Sherloc (09022015). Collection method: clinical testing. Allele origin: germline.
Comment: This sequence change creates a premature translational stop signal (p.Arg1536*) in the MYO15A gene. It is expected to result in an absent or disrupted protein product. Loss-of-function variants in MYO15A are known to be pathogenic (PMID: 17546645). This variant is present in population databases (no rsID available, gnomAD 0.0008%). This variant has not been reported in the literature in individuals affected with MYO15A-related conditions. For these reasons, this variant has been classified as Pathogenic.

Literature cited by the submitters: PubMed 17546645.

NM_016239.4(MYO15A):c.4606C>T (p.Arg1536Ter)

Gene: MYO15A (myosin XVA; plus strand). Cytogenetic location: 17p11.2.
Variant type: single nucleotide variant.
Coding change: c.4606C>T on transcript NM_016239.4 (MANE Select); coding-DNA position 4606, C replaced by T.
Protein change: p.Arg1536Ter; replaces arginine 1536 with a stop codon.
Molecular consequence: nonsense.
Genome position (GRCh38, 1-based): chr17:18,136,426, C>T. VCF-style: chr17-18136426-C-T. GRCh37 (hg19) VCF-style: chr17-18039740-C-T.
Other names: short protein forms R1536*.
Identifiers: ClinVar variation 2788708 (VCV002788708.3), dbSNP rs371352951, ClinGen allele CA398594815.